The following is an entry in ClinVar:

ClinVar aggregate classification (germline): Uncertain significance (1 of 4 stars; one submission).

Allele frequency attached by ClinVar (database versions not stated): ExAC 0.00002; gnomAD 0.00003; TOPMed 0.00005.
gnomAD v4.1: 38 of 1,614,192 alleles (0.0024%); highest among the groups gnomAD compares: African/African-American, 0.0053%; no homozygotes.

Submission:

Labcorp Genetics (formerly Invitae), Labcorp
Classification: Uncertain significance. Last evaluated: 2023-11-27. Review status: criteria provided, single submitter. Criteria: Invitae Variant Classification Sherloc (09022015). Collection method: clinical testing. Allele origin: germline.
Comment: This sequence change replaces arginine, which is basic and polar, with tryptophan, which is neutral and slightly polar, at codon 293 of the TGM6 protein (p.Arg293Trp). This variant is present in population databases (rs771041328, gnomAD 0.008%). This variant has not been reported in the literature in individuals affected with TGM6-related conditions. Advanced modeling of protein sequence and biophysical properties (such as structural, functional, and spatial information, amino acid conservation, physicochemical variation, residue mobility, and thermodynamic stability) performed at Invitae indicates that this missense variant is expected to disrupt TGM6 protein function with a positive predictive value of 80%. In summary, the available evidence is currently insufficient to determine the role of this variant in disease. Therefore, it has been classified as a Variant of Uncertain Significance.

NM_198994.3(TGM6):c.877C>T (p.Arg293Trp)

Gene: TGM6 (transglutaminase 6; plus strand). Cytogenetic location: 20p13.
Variant type: single nucleotide variant.
Coding change: c.877C>T on transcript NM_198994.3 (MANE Select); coding-DNA position 877, C replaced by T.
Protein change: p.Arg293Trp; replaces arginine 293 with tryptophan.
Molecular consequence: missense variant.
Genome position (GRCh38, 1-based): chr20:2,400,332, C>T. VCF-style: chr20-2400332-C-T. GRCh37 (hg19) VCF-style: chr20-2380978-C-T.
Other names: c.877C>T, p.Arg293Trp (NM_001254734.2); short protein forms R293W.
Identifiers: ClinVar variation 2970539 (VCV002970539.3), dbSNP rs771041328, ClinGen allele CA9731871.